The following is an entry in ClinVar:

NM_016580.4(PCDH12):c.2449C>T (p.His817Tyr)

Genes: PCDH12 (protocadherin 12; minus strand), RNF14 (ring finger protein 14; plus strand). Cytogenetic location: 5q31.3.
Variant type: single nucleotide variant.
Coding change: c.2449C>T on transcript NM_016580.4 (MANE Select); coding-DNA position 2449, C replaced by T.
Protein change: p.His817Tyr; replaces histidine 817 with tyrosine.
Molecular consequence: missense variant.
Genome position (GRCh38, 1-based): chr5:141,955,403, G>A on the plus strand (C>T on the coding strand, the complement: PCDH12 is on the minus strand). VCF-style: chr5-141955403-G-A. GRCh37 (hg19) VCF-style: chr5-141334968-G-A.
Other names: short protein forms H817Y.
Identifiers: ClinVar variation 1414411 (VCV001414411.8), dbSNP rs1486411999, ClinGen allele CA361574735.

ClinVar aggregate classification (germline): Uncertain significance. Review status: criteria provided, multiple submitters, no conflicts (2 of 4 stars). 2 submissions from 2 submitters: Uncertain significance (2). Last evaluated 2025-03-10.

Allele frequency attached by ClinVar (database versions not stated): gnomAD exomes below 0.00001.
gnomAD v4.1: 1 of 1,614,028 alleles (0.000062%); highest among the groups gnomAD compares: Non-Finnish European, 0.000085%; no homozygotes.

Submissions (2):

Dasa
Classification: Uncertain significance. Last evaluated: 2025-03-10. Review status: criteria provided, single submitter. Criteria: DASA Assertion Criteria. Collection method: clinical testing. Allele origin: germline.
Comment: NM_016580.4(PCDH12):c.2449C>T (p.His817Tyr) is a missense variant that results in the substitution of histidine with tyrosine. This variant is rare in population databases. Computational prediction algorithms are consistent with a benign effect. The currently available literature and clinical evidence are not sufficient to establish a definitive association between this variant and the reported condition. Therefore, this variant is classified as a variant of uncertain significance.

Labcorp Genetics (formerly Invitae), Labcorp
Classification: Uncertain significance. Last evaluated: 2022-08-31. Review status: criteria provided, single submitter. Criteria: Invitae Variant Classification Sherloc (09022015). Collection method: clinical testing. Allele origin: germline.
Comment: ClinVar contains an entry for this variant (Variation ID: 1414411). In summary, the available evidence is currently insufficient to determine the role of this variant in disease. Therefore, it has been classified as a Variant of Uncertain Significance. Advanced modeling of protein sequence and biophysical properties (such as structural, functional, and spatial information, amino acid conservation, physicochemical variation, residue mobility, and thermodynamic stability) performed at Invitae indicates that this missense variant is not expected to disrupt PCDH12 protein function. This variant has not been reported in the literature in individuals affected with PCDH12-related conditions. This variant is not present in population databases (gnomAD no frequency). This sequence change replaces histidine, which is basic and polar, with tyrosine, which is neutral and polar, at codon 817 of the PCDH12 protein (p.His817Tyr).